The following is an entry in ClinVar:

NM_003336.4(UBE2A):c.241G>A (p.Val81Ile)

Gene: UBE2A (ubiquitin conjugating enzyme E2 A; plus strand). Cytogenetic location: Xq24.
Variant type: single nucleotide variant.
Coding change: c.241G>A on transcript NM_003336.4 (MANE Select); coding-DNA position 241, G replaced by A.
Protein change: p.Val81Ile; replaces valine 81 with isoleucine.
Molecular consequence: missense variant. On other transcripts: intron variant (1).
Genome position (GRCh38, 1-based): chrX:119,581,596, G>A. VCF-style: chrX-119581596-G-A. GRCh37 (hg19) VCF-style: chrX-118715559-G-A.
Other names: c.142G>A, p.Val48Ile (NM_001282161.2); c.152-992G>A (NM_181762.3); short protein forms V81I, V48I.
Identifiers: ClinVar variation 429343 (VCV000429343.3), dbSNP rs1131691332, ClinGen allele CA414375971.

ClinVar aggregate classification (germline): Uncertain significance (1 of 4 stars; one submission).

Submission:

GeneDx
Classification: Uncertain significance. Last evaluated: 2020-01-31. Review status: criteria provided, single submitter. Criteria: GeneDx Variant Classification Process June 2021. Collection method: clinical testing. Allele origin: germline. Affected: yes.
Comment: Not observed in large population cohorts (Lek et al., 2016); In silico analysis supports that this missense variant does not alter protein structure/function; Has not been previously published as pathogenic or benign to our knowledge; In-silico analysis, which includes splice predictors and evolutionary conservation, is inconclusive as to whether the variant alters gene splicing. In the absence of RNA/functional studies, the actual effect of this sequence change is unknown.